The following is an entry in ClinVar:

ClinVar aggregate classification (germline): Conflicting classifications of pathogenicity. Review status: criteria provided, conflicting classifications (1 of 4 stars). 3 submissions from 3 submitters: Uncertain significance (1); Likely benign (1). 1 of the submissions does not count toward it. Last evaluated 2024-01-08.

Conditions:
EIF2B3-related disorder. Also called: EIF2B3-related condition.
Vanishing white matter disease. Also called: CACH syndrome; Childhood ataxia with diffuse central nervous system hypomyelination; Leukoencephalopathy with vanishing white matter; CACH/VWM syndrome; Cree leukoencehalopathy. Identifiers: Orphanet 135, Orphanet 99853, MedGen C1858991, MONDO:0800448.

Allele frequency attached by ClinVar (database versions not stated): ExAC 0.00003; gnomAD exomes 0.00004; gnomAD 0.00005 and 0.00006; TOPMed 0.00006.
gnomAD v4.1: 210 of 1,613,832 alleles (0.013%); highest among the groups gnomAD compares: Non-Finnish European, 0.017%; 1 homozygote.

Submissions (3):

Labcorp Genetics (formerly Invitae), Labcorp
Classification: Likely benign. Last evaluated: 2024-01-08. Review status: criteria provided, single submitter. Criteria: Invitae Variant Classification Sherloc (09022015). Collection method: clinical testing. Allele origin: germline.

Illumina Laboratory Services, Illumina
Classification: Uncertain significance for Leukoencephalopathy with vanishing white matter 1. Last evaluated: 2018-01-12. Review status: criteria provided, single submitter. Criteria: ICSL Variant Classification Criteria 13 December 2019. Collection method: clinical testing. Allele origin: germline.

PreventionGenetics, part of Exact Sciences
Classification: Likely benign for EIF2B3-related condition. Last evaluated: 2021-11-05. Review status: no assertion criteria provided. Collection method: clinical testing. Allele origin: germline. Not counted in ClinVar's aggregate classification.
Comment: This variant is classified as likely benign based on ACMG/AMP sequence variant interpretation guidelines (Richards et al. 2015 PMID: 25741868, with internal and published modifications).

NM_020365.5(EIF2B3):c.785-6C>G

Gene: EIF2B3 (eukaryotic translation initiation factor 2B subunit gamma; minus strand). Cytogenetic location: 1p34.1.
Variant type: single nucleotide variant.
Coding change: c.785-6C>G on transcript NM_020365.5 (MANE Select); 6 bases into the intron before coding-DNA position 785, C replaced by G.
Molecular consequence: intron variant.
Genome position (GRCh38, 1-based): chr1:44,880,014, G>C on the plus strand (C>G on the coding strand, the complement: EIF2B3 is on the minus strand). VCF-style: chr1-44880014-G-C. GRCh37 (hg19) VCF-style: chr1-45345686-G-C.
Other names: c.785-6C>G (NM_001261418.2, NM_001166588.3).
Identifiers: ClinVar variation 874279 (VCV000874279.10), dbSNP rs775634835, ClinGen allele CA823910.